The following is an entry in ClinVar:

NM_001854.4(COL11A1):c.2808+3_2808+6del

Gene: COL11A1 (collagen type XI alpha 1 chain; minus strand). Cytogenetic location: 1p21.1.
Variant type: Deletion.
Coding change: c.2808+3_2808+6del on transcript NM_001854.4 (MANE Select); bases 3 to 6 of the intron after coding-DNA position 2808, 4 bases deleted (AAGT; older notation c.2808+3_2808+6delAAGT).
Molecular consequence: splice donor variant.
Genome position (GRCh38, 1-based): chr1:102,974,824-102,974,827, ACTT deleted on the plus strand (AAGT on the coding strand, the reverse complement: COL11A1 is on the minus strand); deleting any 4 consecutive bases within chr1:102,974,824-102,974,829 gives the same sequence; the c. name uses the placement nearest the transcript's 3' end. VCF-style (leftmost placement, unchanged base first): chr1-102974823-CACTT-C. GRCh37 (hg19) VCF-style: chr1-103440379-CACTT-C.
Other names: c.2691+3_2691+6del (NM_001190709.2); c.2844+3_2844+6del (NM_080629.3); c.2460+3_2460+6del (NM_080630.4).
Identifiers: ClinVar variation 1075485 (VCV001075485.10), dbSNP rs2101652956, ClinGen allele CA2499214090.

ClinVar aggregate classification (germline): Conflicting classifications of pathogenicity. Review status: criteria provided, conflicting classifications (1 of 4 stars). 2 submissions from 2 submitters: Pathogenic (1); Uncertain significance (1). Last evaluated 2022-09-07.

Submissions (2):

Labcorp Genetics (formerly Invitae), Labcorp
Classification: Pathogenic. Last evaluated: 2022-09-07. Review status: criteria provided, single submitter. Criteria: Invitae Variant Classification Sherloc (09022015). Collection method: clinical testing. Allele origin: germline.
Comment: This sequence change falls in intron 36 of the COL11A1 gene. It does not directly change the encoded amino acid sequence of the COL11A1 protein. It affects a nucleotide within the consensus splice site. This variant is not present in population databases (gnomAD no frequency). This variant has been observed in individual(s) with clinical features of Stickler syndrome (Invitae). In at least one individual the variant was observed to be de novo. ClinVar contains an entry for this variant (Variation ID: 1075485). Variants that disrupt the consensus splice site are a relatively common cause of aberrant splicing (PMID: 17576681, 9536098). Algorithms developed to predict the effect of sequence changes on RNA splicing suggest that this variant may disrupt the consensus splice site. For these reasons, this variant has been classified as Pathogenic.

Blueprint Genetics
Classification: Uncertain significance. Last evaluated: 2021-04-01. Review status: criteria provided, single submitter. Criteria: ACMG Guidelines, 2015. Collection method: clinical testing. Allele origin: germline.

Literature cited by the submitters: PubMed 17576681 (cited by Labcorp Genetics (formerly Invitae), Labcorp); PubMed 9536098 (cited by Labcorp Genetics (formerly Invitae), Labcorp).